The following is an entry in ClinVar:

NM_022173.4(TIA1):c.209A>T (p.Lys70Met)

Gene: TIA1 (TIA1 cytotoxic granule associated RNA binding protein; minus strand). Cytogenetic location: 2p13.3.
Variant type: single nucleotide variant.
Coding change: c.209A>T on transcript NM_022173.4 (MANE Select); coding-DNA position 209, A replaced by T.
Protein change: p.Lys70Met; replaces lysine 70 with methionine.
Molecular consequence: missense variant. On other transcripts: 5 prime UTR variant (4), non-coding transcript variant (17).
Genome position (GRCh38, 1-based): chr2:70,230,769, T>A on the plus strand (A>T on the coding strand, the complement: TIA1 is on the minus strand). VCF-style: chr2-70230769-T-A. GRCh37 (hg19) VCF-style: chr2-70457901-T-A.
Other names: c.209A>T, p.Lys70Met (NM_001351508.2, NM_001351510.2, NM_001351516.2 and 5 more transcripts); c.215A>T, p.Lys72Met (NM_001351509.2, NM_001351520.2); c.98A>T, p.Lys33Met (NM_001351511.1, NM_001351513.1); c.104A>T, p.Lys35Met (NM_001351512.1); c.14A>T, p.Lys5Met (NM_001351514.2, NM_001351523.2); c.-181A>T (NM_001351515.2); c.-430A>T (NM_001351517.2); c.-207A>T (NM_001351524.2); and 1 more; short protein forms K33M, K35M, K70M, K72M, K5M.
Identifiers: ClinVar variation 844069 (VCV000844069.9), dbSNP rs1685916767, ClinGen allele CA347157461.

ClinVar aggregate classification (germline): Uncertain significance (1 of 4 stars; one submission).

Conditions:
Welander distal myopathy (WDM). Also called: MUSCULAR DYSTROPHY, DISTAL, LATE-ONSET, AUTOSOMAL DOMINANT; Welander distal myopathy, Swedish type; Distal myopathy, Swedish type; Gower's muscular dystrophy. Identifiers: Orphanet 603, MedGen C0221054, MONDO:0011466, OMIM 604454.

gnomAD v4.1: 1 of 1,607,600 alleles (0.000062%); no homozygotes.

Submission:

Labcorp Genetics (formerly Invitae), Labcorp
Classification: Uncertain significance for Welander distal myopathy. Last evaluated: 2019-01-28. Review status: criteria provided, single submitter. Criteria: Invitae Variant Classification Sherloc (09022015). Collection method: clinical testing. Allele origin: germline.
Comment: Algorithms developed to predict the effect of missense changes on protein structure and function are either unavailable or do not agree on the potential impact of this missense change (SIFT: "Deleterious"; PolyPhen-2: "Benign"; Align-GVGD: "Class C15"). In summary, the available evidence is currently insufficient to determine the role of this variant in disease. Therefore, it has been classified as a Variant of Uncertain Significance. This variant has not been reported in the literature in individuals with TIA1-related conditions. This variant is not present in population databases (ExAC no frequency). This sequence change replaces lysine with methionine at codon 70 of the TIA1 protein (p.Lys70Met). The lysine residue is highly conserved and there is a moderate physicochemical difference between lysine and methionine.